The following is an entry in ClinVar:

ClinVar aggregate classification (germline): Likely pathogenic (1 of 4 stars; one submission).

Conditions:
TH-deficient dopa-responsive dystonia. Also called: Tyrosine Hydroxylase-Deficient Dopa-Responsive Dystonia; Segawa syndrome, autosomal recessive; DYT-TH. Identifiers: Orphanet 101150, MedGen C2673535, MONDO:0011551, OMIM 605407.

Submission:

Labcorp Genetics (formerly Invitae), Labcorp
Classification: Likely pathogenic for TH-deficient dopa-responsive dystonia. Last evaluated: 2023-08-28. Review status: criteria provided, single submitter. Criteria: Invitae Variant Classification Sherloc (09022015). Collection method: clinical testing. Allele origin: germline.
Comment: This variant has not been reported in the literature in individuals affected with TH-related conditions. Algorithms developed to predict the effect of sequence changes on RNA splicing suggest that this variant may disrupt the consensus splice site. This sequence change affects a donor splice site in intron 1 of the TH gene. It is expected to disrupt RNA splicing. Variants that disrupt the donor or acceptor splice site typically lead to a loss of protein function (PMID: 16199547), and loss-of-function variants in TH are known to be pathogenic (PMID: 22264700, 24753243). This variant is not present in population databases (gnomAD no frequency). In summary, the currently available evidence indicates that the variant is pathogenic, but additional data are needed to prove that conclusively. Therefore, this variant has been classified as Likely Pathogenic.

Literature cited by the submitters: PubMed 16199547; PubMed 22264700; PubMed 24753243.

NM_000360.4(TH):c.90+14T>A

Gene: TH (tyrosine hydroxylase; minus strand). Cytogenetic location: 11p15.5.
Variant type: single nucleotide variant.
Coding change: c.90+14T>A on transcript NM_000360.4 (MANE Select); 14 bases into the intron after coding-DNA position 90, T replaced by A.
Molecular consequence: intron variant. On other transcripts: splice donor variant (1).
Genome position (GRCh38, 1-based): chr11:2,171,683, A>T on the plus strand (T>A on the coding strand, the complement: TH is on the minus strand). VCF-style: chr11-2171683-A-T. GRCh37 (hg19) VCF-style: chr11-2192913-A-T.
Other names: c.90+14T>A (NM_199293.3); c.102+2T>A (NM_199292.3).
Identifiers: ClinVar variation 2901892 (VCV002901892.3), dbSNP rs2495842209, ClinGen allele CA379112727.